The following is an entry in ClinVar:

ClinVar aggregate classification (germline): Uncertain significance. Review status: criteria provided, multiple submitters, no conflicts (2 of 4 stars). 2 submissions from 2 submitters: Uncertain significance (2). Last evaluated 2024-09-01.

Allele frequency attached by ClinVar (database versions not stated): gnomAD exomes below 0.00001; ExAC 0.00001.

Submissions (2):

CeGaT Center for Human Genetics Tuebingen
Classification: Uncertain significance. Last evaluated: 2024-09-01. Review status: criteria provided, single submitter. Criteria: CeGaT Center For Human Genetics Tuebingen Variant Classification Criteria Version 2. Collection method: clinical testing. Allele origin: germline. Affected: yes. Observed: 1 variant allele.
Comment: AP3D1: PM2, BP4

Labcorp Genetics (formerly Invitae), Labcorp
Classification: Uncertain significance. Last evaluated: 2022-11-15. Review status: criteria provided, single submitter. Criteria: Invitae Variant Classification Sherloc (09022015). Collection method: clinical testing. Allele origin: germline.
Comment: In summary, the available evidence is currently insufficient to determine the role of this variant in disease. Therefore, it has been classified as a Variant of Uncertain Significance. Algorithms developed to predict the effect of missense changes on protein structure and function (SIFT, PolyPhen-2, Align-GVGD) all suggest that this variant is likely to be tolerated. ClinVar contains an entry for this variant (Variation ID: 1398023). This variant has not been reported in the literature in individuals affected with AP3D1-related conditions. This variant is present in population databases (rs200212737, gnomAD 0.0009%). This sequence change replaces glutamic acid, which is acidic and polar, with lysine, which is basic and polar, at codon 918 of the AP3D1 protein (p.Glu918Lys).

NM_001261826.3(AP3D1):c.2752G>A (p.Glu918Lys)

Gene: AP3D1 (adaptor related protein complex 3 subunit delta 1; minus strand). Cytogenetic location: 19p13.3.
Variant type: single nucleotide variant.
Coding change: c.2752G>A on transcript NM_001261826.3 (MANE Select); coding-DNA position 2752, G replaced by A.
Protein change: p.Glu918Lys; replaces glutamic acid 918 with lysine.
Molecular consequence: missense variant. On other transcripts: intron variant (1).
Genome position (GRCh38, 1-based): chr19:2,112,895, C>T on the plus strand (G>A on the coding strand, the complement: AP3D1 is on the minus strand). VCF-style: chr19-2112895-C-T. GRCh37 (hg19) VCF-style: chr19-2112894-C-T.
Other names: c.2716G>A, p.Glu906Lys (NM_001374799.1); c.2602-1067G>A (NM_003938.8); short protein forms E918K, E906K.
Identifiers: ClinVar variation 1398023 (VCV001398023.23), dbSNP rs200212737, ClinGen allele CA9058745.